The following is an entry in ClinVar:

ClinVar aggregate classification (germline): Uncertain significance. Review status: criteria provided, multiple submitters, no conflicts (2 of 4 stars). 2 submissions from 2 submitters: Uncertain significance (2). Last evaluated 2020-04-14.

Conditions:
Hereditary sensory neuropathy-deafness-dementia syndrome. Also called: Hereditary sensory neuropathy type IE; HSN IE; NEUROPATHY, HEREDITARY SENSORY, WITH HEARING LOSS AND DEMENTIA; Hereditary Sensory and Autonomic Neuropathy Type 1E (HSAN1E). Identifiers: Orphanet 456318, MedGen C3279885, MONDO:0013584, OMIM 614116.
Inborn genetic diseases. Identifiers: MedGen C0950123, MeSH D030342.

Allele frequency attached by ClinVar (database versions not stated): gnomAD exomes below 0.00001.
gnomAD v4.1: 1 of 1,614,014 alleles (0.000062%); highest among the groups gnomAD compares: South Asian, 0.0011%; no homozygotes.

Submissions (2):

Ambry Genetics
Classification: Uncertain significance for Inborn genetic diseases. Last evaluated: 2020-04-14. Review status: criteria provided, single submitter. Criteria: Ambry Variant Classification Scheme 2023. Collection method: clinical testing. Allele origin: germline.
Comment: The p.R1178W variant (also known as c.3532C>T), located in coding exon 32 of the DNMT1 gene, results from a C to T substitution at nucleotide position 3532. The arginine at codon 1178 is replaced by tryptophan, an amino acid with dissimilar properties. This amino acid position is highly conserved in available vertebrate species. In addition, this alteration is predicted to be deleterious by in silico analysis. Since supporting evidence is limited at this time, the clinical significance of this alteration remains unclear.

Illumina Laboratory Services, Illumina
Classification: Uncertain significance for Hereditary sensory neuropathy-deafness-dementia syndrome. Last evaluated: 2018-01-12. Review status: criteria provided, single submitter. Criteria: ICSL Variant Classification Criteria 13 December 2019. Collection method: clinical testing. Allele origin: germline.

NM_001130823.3(DNMT1):c.3580C>T (p.Arg1194Trp)

Gene: DNMT1 (DNA methyltransferase 1; minus strand). Cytogenetic location: 19p13.2.
Variant type: single nucleotide variant.
Coding change: c.3580C>T on transcript NM_001130823.3 (MANE Select); coding-DNA position 3580, C replaced by T.
Protein change: p.Arg1194Trp; replaces arginine 1194 with tryptophan.
Molecular consequence: missense variant.
Genome position (GRCh38, 1-based): chr19:10,140,272, G>A on the plus strand (C>T on the coding strand, the complement: DNMT1 is on the minus strand). VCF-style: chr19-10140272-G-A. GRCh37 (hg19) VCF-style: chr19-10250948-G-A.
Other names: c.3532C>T, p.Arg1178Trp (NM_001318730.2, NM_001379.4); c.3217C>T, p.Arg1073Trp (NM_001318731.2); short protein forms R1073W, R1178W, R1194W.
Identifiers: ClinVar variation 889990 (VCV000889990.6), dbSNP rs1255153711, ClinGen allele CA403973168.